The following is an entry in ClinVar:

ClinVar aggregate classification (germline): Uncertain significance (1 of 4 stars; one submission).

Conditions:
Hereditary cancer-predisposing syndrome. Also called: Tumor predisposition; Hereditary Cancer Syndrome; Neoplastic Syndromes, Hereditary; Hereditary neoplastic syndrome. Identifiers: Orphanet 140162, MedGen C0027672, MeSH D009386, MONDO:0015356.

Submission:

Color Diagnostics, LLC DBA Color Health
Classification: Uncertain significance for Hereditary cancer-predisposing syndrome. Last evaluated: 2025-08-27. Review status: criteria provided, single submitter. Criteria: ACMG Guidelines, 2015. Collection method: clinical testing. Allele origin: germline.
Comment: This missense variant replaces alanine with valine at codon 474 of the APC protein. Computational prediction suggests that this variant may not impact protein structure and function. APC is defined as a gene for which primarily truncating variants are known to cause disease (ClinGen HCCP VCEP). To our knowledge, functional studies have not been reported for this variant. This variant has not been reported in individuals affected with APC-related disorders in the literature. This variant has not been identified in the general population by the Genome Aggregation Database (gnomAD). The available evidence is insufficient to determine the role of this variant in disease conclusively. Therefore, this variant is classified as a Variant of Uncertain Significance.

NM_000038.6(APC):c.1421C>T (p.Ala474Val)

Gene: APC (APC regulator of Wnt signaling pathway; plus strand). Cytogenetic location: 5q22.2.
Variant type: single nucleotide variant.
Coding change: c.1421C>T on transcript NM_000038.6 (MANE Select); coding-DNA position 1421, C replaced by T.
Protein change: p.Ala474Val; replaces alanine 474 with valine.
Molecular consequence: missense variant.
Genome position (GRCh38, 1-based): chr5:112,827,120, C>T. VCF-style: chr5-112827120-C-T. GRCh37 (hg19) VCF-style: chr5-112162817-C-T.
Other names: c.1118C>T, p.Ala373Val (NM_001354903.2, NM_001407458.1, NM_001407459.1 and 1 more transcripts); c.1043C>T, p.Ala348Val (NM_001354904.2); c.941C>T, p.Ala314Val (NM_001354905.2); c.572C>T, p.Ala191Val (NM_001354906.2, NM_001407470.1); c.1505C>T, p.Ala502Val (NM_001407446.1); c.1475C>T, p.Ala492Val (NM_001407447.1, NM_001407448.1, NM_001407449.1 and 1 more transcripts); c.1172C>T, p.Ala391Val (NM_001407455.1, NM_001407454.1, NM_001407456.1 and 1 more transcripts); c.1400C>T, p.Ala467Val (NM_001407451.1); and 11 more; short protein forms A191V, A314V, A345V, A348V, A373V, A383V, A391V, A415V.
Identifiers: ClinVar variation 4757890 (VCV004757890.1).